The following is an entry in ClinVar:

ClinVar aggregate classification (germline): Pathogenic (1 of 4 stars; one submission).

Allele frequency attached by ClinVar (database versions not stated): gnomAD 0.00001; TOPMed 0.00001.
gnomAD v4.1: 15 of 1,613,468 alleles (0.00093%); highest among the groups gnomAD compares: Admixed American, 0.0017%; no homozygotes.

Submission:

Mayo Clinic Laboratories, Mayo Clinic
Classification: Pathogenic. Last evaluated: 2020-11-19. Review status: criteria provided, single submitter. Criteria: ACMG Guidelines, 2015. Collection method: clinical testing. Allele origin: germline. Observed: 1 variant allele.
Comment: PVS1, PM1, PM2, PM3, PP4

Literature cited by the submitters: PubMed 29554699.

NM_139027.6(ADAMTS13):c.1177C>T (p.Arg393Ter)

Gene: ADAMTS13 (ADAM metallopeptidase with thrombospondin type 1 motif 13; plus strand). Cytogenetic location: 9q34.2.
Variant type: single nucleotide variant.
Coding change: c.1177C>T on transcript NM_139027.6 (MANE Select); coding-DNA position 1177, C replaced by T.
Protein change: p.Arg393Ter; replaces arginine 393 with a stop codon.
Molecular consequence: nonsense.
Genome position (GRCh38, 1-based): chr9:133,433,462, C>T. VCF-style: chr9-133433462-C-T. GRCh37 (hg19) VCF-style: chr9-136298582-C-T.
Other names: c.1177C>T, p.Arg393Ter (NM_139025.5); c.1084C>T, p.Arg362Ter (NM_139026.6); short protein forms R362*, R393*.
Identifiers: ClinVar variation 1163033 (VCV001163033.5), dbSNP rs782570540, ClinGen allele CA200926948.